The following is an entry in ClinVar:

NM_001142800.2(EYS):c.7624del (p.Val2542fs)

Gene: EYS (EGF-like photoreceptor maintenance factor; minus strand). Cytogenetic location: 6q12.
Variant type: Deletion.
Coding change: c.7624del on transcript NM_001142800.2 (MANE Select); coding-DNA position 7624, one base deleted (G; older notation c.7624delG).
Protein change: p.Val2542fs; shifts the reading frame from valine 2542.
Molecular consequence: frameshift variant.
Genome position (GRCh38, 1-based): chr6:63,788,204, C deleted on the plus strand (G on the coding strand, the reverse complement: EYS is on the minus strand); the first of 2 consecutive C bases (chr6:63,788,204-63,788,205); deleting either gives the same sequence. VCF-style (leftmost placement, unchanged base first): chr6-63788203-AC-A. GRCh37 (hg19) VCF-style: chr6-64498096-AC-A.
Other names: c.7624del, p.Val2542fs (NM_001292009.2); short protein forms V2542fs.
Identifiers: ClinVar variation 2043595 (VCV002043595.4), dbSNP rs2533540023, ClinGen allele CA2580075616.

ClinVar aggregate classification (germline): Pathogenic (1 of 4 stars; one submission).

Submission:

Labcorp Genetics (formerly Invitae), Labcorp
Classification: Pathogenic. Last evaluated: 2023-06-13. Review status: criteria provided, single submitter. Criteria: Invitae Variant Classification Sherloc (09022015). Collection method: clinical testing. Allele origin: germline.
Comment: ClinVar contains an entry for this variant (Variation ID: 2043595). This sequence change creates a premature translational stop signal (p.Val2542Leufs*11) in the EYS gene. It is expected to result in an absent or disrupted protein product. Loss-of-function variants in EYS are known to be pathogenic (PMID: 18836446, 20333770). This variant is not present in population databases (gnomAD no frequency). This variant has not been reported in the literature in individuals affected with EYS-related conditions. For these reasons, this variant has been classified as Pathogenic.

Literature cited by the submitters: PubMed 18836446; PubMed 20333770.